The following is an entry in ClinVar:

NM_004360.5(CDH1):c.1115C>T (p.Pro372Leu)

Gene: CDH1 (cadherin 1; plus strand). Cytogenetic location: 16q22.1.
Variant type: single nucleotide variant.
Coding change: c.1115C>T on transcript NM_004360.5 (MANE Select); coding-DNA position 1115, C replaced by T.
Protein change: p.Pro372Leu; replaces proline 372 with leucine.
Molecular consequence: missense variant. On other transcripts: 5 prime UTR variant (2).
Genome position (GRCh38, 1-based): chr16:68,812,241, C>T. VCF-style: chr16-68812241-C-T. GRCh37 (hg19) VCF-style: chr16-68846144-C-T.
Other names: c.1115C>T, p.Pro372Leu (NM_001317184.2); c.-501C>T (NM_001317185.2); c.-705C>T (NM_001317186.2); c.1115C>T (LRG_301t1); short protein forms P372L.
Identifiers: ClinVar variation 479490 (VCV000479490.23), dbSNP rs1555515760, ClinGen allele CA396460216.
Genomic context (GRCh38, chr16:68,812,241, plus strand): 5'-GTGAGGGGTTAAGCACAACAGCAACAGCTGTGATCACAGTCACTGACACCAACGATAATC[C>T]TCCGATCTTCAATCCCACCACGGTAATTCTATAACTCCTTAGAGGGTTTCCAAAGAAAGG-3'
Protein context (NP_004351.1, residues 362-382): VITVTDTNDN[Pro372Leu]PIFNPTTYKG

ClinVar aggregate classification (germline): Uncertain significance. Review status: criteria provided, multiple submitters, no conflicts (2 of 4 stars). 6 submissions from 6 submitters: Uncertain significance (6). Last evaluated 2024-08-13.

Conditions:
Hereditary cancer-predisposing syndrome. Also called: Neoplastic Syndromes, Hereditary; Tumor predisposition; Hereditary neoplastic syndrome; Hereditary Cancer Syndrome. Identifiers: Orphanet 140162, MedGen C0027672, MeSH D009386, MONDO:0015356.
Hereditary diffuse gastric adenocarcinoma (HDGC). Also called: DIFFUSE GASTRIC AND LOBULAR BREAST CANCER SYNDROME. Identifiers: Orphanet 26106, MedGen C1708349, MONDO:0007648, OMIM 137215.

Allele frequency attached by ClinVar (database versions not stated): TOPMed below 0.00001.

Submissions (6):

Labcorp Genetics (formerly Invitae), Labcorp
Classification: Uncertain significance for Hereditary diffuse gastric adenocarcinoma. Last evaluated: 2024-08-13. Review status: criteria provided, single submitter. Criteria: Invitae Variant Classification Sherloc (09022015). Collection method: clinical testing. Allele origin: germline.
Comment: This sequence change replaces proline, which is neutral and non-polar, with leucine, which is neutral and non-polar, at codon 372 of the CDH1 protein (p.Pro372Leu). This variant is not present in population databases (gnomAD no frequency). This missense change has been observed in individual(s) with colorectal cancer (PMID: 28135145). ClinVar contains an entry for this variant (Variation ID: 479490). An algorithm developed to predict the effect of missense changes on protein structure and function (PolyPhen-2) suggests that this variant is likely to be disruptive. In summary, the available evidence is currently insufficient to determine the role of this variant in disease. Therefore, it has been classified as a Variant of Uncertain Significance.

Ambry Genetics
Classification: Uncertain significance for Hereditary cancer-predisposing syndrome. Last evaluated: 2024-05-29. Review status: criteria provided, single submitter. Criteria: Ambry Variant Classification Scheme 2023. Collection method: clinical testing. Allele origin: germline.
Comment: The p.P372L variant (also known as c.1115C>T), located in coding exon 8 of the CDH1 gene, results from a C to T substitution at nucleotide position 1115. The proline at codon 372 is replaced by leucine, an amino acid with similar properties. This amino acid position is not well conserved in available vertebrate species. In addition, this alteration is predicted to be tolerated by in silico analysis. Based on the available evidence, the clinical significance of this variant remains unclear.

Institute for Biomarker Research, Medical Diagnostic Laboratories, L.L.C.
Classification: Uncertain significance for Hereditary cancer-predisposing syndrome. Last evaluated: 2024-04-02. Review status: criteria provided, single submitter. Criteria: ACMG Guidelines, 2015. Collection method: clinical testing. Allele origin: germline.

GeneDx
Classification: Uncertain significance. Last evaluated: 2024-01-18. Review status: criteria provided, single submitter. Criteria: GeneDx Variant Classification Process June 2021. Collection method: clinical testing. Allele origin: germline.
Comment: Not observed at significant frequency in large population cohorts (gnomAD); In silico analysis supports that this missense variant has a deleterious effect on protein structure/function; Identified in an individual with colorectal cancer for whom multi-gene panel testing identified several other variants possibly contributing to this diagnosis (PMID: 28135145); This variant is associated with the following publications: (PMID: 15235021, 22850631, 28135145)

Women's Health and Genetics/Laboratory Corporation of America, LabCorp
Classification: Uncertain significance. Last evaluated: 2021-09-16. Review status: criteria provided, single submitter. Criteria: LabCorp Variant Classification Summary - May 2015. Collection method: clinical testing. Allele origin: germline.
Comment: Variant summary: CDH1 c.1115C>T (p.Pro372Leu) results in a non-conservative amino acid change located in the Cadherin-like domain (IPR002126) of the encoded protein sequence. Three of four in-silico tools predict a damaging effect of the variant on protein function. The variant was absent in 251476 control chromosomes (gnomAD). The available data on variant occurrences in the general population are insufficient to allow any conclusion about variant significance. c.1115C>T has been reported in the literature in an individual affected with Colorectal Cancer (Yurgelun_2017). This report does not provide unequivocal conclusions about association of the variant with Hereditary Diffuse Gastric Cancer. To our knowledge, no experimental evidence demonstrating an impact on protein function has been reported. Three ClinVar submitters (evaluation after 2014) cite the variant as uncertain significance. Based on the evidence outlined above, the variant was classified as uncertain significance.

Color Diagnostics, LLC DBA Color Health
Classification: Uncertain significance for Hereditary cancer-predisposing syndrome. Last evaluated: 2019-04-05. Review status: criteria provided, single submitter. Criteria: ACMG Guidelines, 2015. Collection method: clinical testing. Allele origin: germline.

Literature cited by the submitters: PubMed 28135145 (cited by 3 submitters).